The following is an entry in ClinVar:

NM_172107.4(KCNQ2):c.704C>T (p.Ala235Val)

Gene: KCNQ2 (potassium voltage-gated channel subfamily Q member 2; minus strand). Cytogenetic location: 20q13.33.
Variant type: single nucleotide variant.
Coding change: c.704C>T on transcript NM_172107.4 (MANE Select); coding-DNA position 704, C replaced by T.
Protein change: p.Ala235Val; replaces alanine 235 with valine.
Molecular consequence: missense variant.
Genome position (GRCh38, 1-based): chr20:63,442,518, G>A on the plus strand (C>T on the coding strand, the complement: KCNQ2 is on the minus strand). VCF-style: chr20-63442518-G-A. GRCh37 (hg19) VCF-style: chr20-62073871-G-A.
Other names: c.704C>T, p.Ala235Val (NM_004518.6, NM_172106.3, NM_172108.5 and 1 more transcripts); short protein forms A235V.
Identifiers: ClinVar variation 211235 (VCV000211235.10), dbSNP rs797045638, ClinGen allele CA209088.

ClinVar aggregate classification (germline): Likely pathogenic. Review status: criteria provided, multiple submitters, no conflicts (2 of 4 stars). 2 submissions from 2 submitters: Likely pathogenic (2). Last evaluated 2018-08-16.

Conditions:
Inborn genetic diseases. Identifiers: MedGen C0950123, MeSH D030342.
Developmental and epileptic encephalopathy, 7 (DEE7). Also called: KCNQ2-Related Neonatal Epileptic Encephalopathy; Early infantile epileptic encephalopathy 7; KCNQ2-Related Neonatal-Onset Developmental and Epileptic Encephalopathy (NEO-DEE). Identifiers: Orphanet 439218, MedGen C3150986, MONDO:0013387, OMIM 613720.

Submissions (2):

Ambry Genetics
Classification: Likely pathogenic for Inborn genetic diseases. Last evaluated: 2018-08-16. Review status: criteria provided, single submitter. Criteria: Ambry Variant Classification Scheme 2023. Collection method: clinical testing. Allele origin: germline.
Comment: The p.A235V variant (also known as c.704C>T), located in coding exon 5 of the KCNQ2 gene, results from a C to T substitution at nucleotide position 704. The alanine at codon 235 is replaced by valine, an amino acid with similar properties. This variant has been determined to be the result of a de novo mutation or germline mosaicism in two unrelated families with an isolated case of KCNQ2-related epileptic encephalopathy (Ambry internal data). This variant was not reported in population-based cohorts in the Genome Aggregation Database (gnomAD). This amino acid position is highly conserved in available vertebrate species. In addition, this alteration is predicted to be deleterious by in silico analysis. Based on the majority of available evidence to date, this variant is likely to be pathogenic.

Genetic Services Laboratory, University of Chicago
Classification: Likely pathogenic for Epileptic encephalopathy, early infantile, 7. Last evaluated: 2017-02-10. Review status: criteria provided, single submitter. Criteria: ACMG Guidelines, 2015. Collection method: clinical testing. Allele origin: germline. Affected: yes.